The following is an entry in ClinVar:

NM_000426.4(LAMA2):c.986C>G (p.Pro329Arg)

Gene: LAMA2 (laminin subunit alpha 2; plus strand). Cytogenetic location: 6q22.33.
Variant type: single nucleotide variant.
Coding change: c.986C>G on transcript NM_000426.4 (MANE Select); coding-DNA position 986, C replaced by G.
Protein change: p.Pro329Arg; replaces proline 329 with arginine.
Molecular consequence: missense variant.
Genome position (GRCh38, 1-based): chr6:129,149,055, C>G. VCF-style: chr6-129149055-C-G. GRCh37 (hg19) VCF-style: chr6-129470200-C-G.
Other names: c.986C>G, p.Pro329Arg (NM_001079823.2); short protein forms P329R.
Identifiers: ClinVar variation 2055279 (VCV002055279.4), dbSNP rs2482605592, ClinGen allele CA365606652.

ClinVar aggregate classification (germline): Uncertain significance. Review status: criteria provided, multiple submitters, no conflicts (2 of 4 stars). 2 submissions from 2 submitters: Uncertain significance (2). Last evaluated 2022-03-18.

Conditions:
LAMA2-related muscular dystrophy (LAMA2-RD). Also called: Laminin alpha 2-related dystrophy. Identifiers: MedGen C5679788, MONDO:0100228.

Allele frequency attached by ClinVar (database versions not stated): gnomAD exomes below 0.00001.
gnomAD v4.1: 1 of 1,612,808 alleles (0.000062%); highest among the groups gnomAD compares: Non-Finnish European, 0.000085%; no homozygotes.

Submissions (2):

Labcorp Genetics (formerly Invitae), Labcorp
Classification: Uncertain significance for LAMA2-related muscular dystrophy. Last evaluated: 2022-03-18. Review status: criteria provided, single submitter. Criteria: Invitae Variant Classification Sherloc (09022015). Collection method: clinical testing. Allele origin: germline.
Comment: This sequence change replaces proline, which is neutral and non-polar, with arginine, which is basic and polar, at codon 329 of the LAMA2 protein (p.Pro329Arg). This variant is not present in population databases (gnomAD no frequency). This variant has not been reported in the literature in individuals affected with LAMA2-related conditions. Advanced modeling of protein sequence and biophysical properties (such as structural, functional, and spatial information, amino acid conservation, physicochemical variation, residue mobility, and thermodynamic stability) performed at Invitae indicates that this missense variant is not expected to disrupt LAMA2 protein function. In summary, the available evidence is currently insufficient to determine the role of this variant in disease. Therefore, it has been classified as a Variant of Uncertain Significance.

Revvity Omics, Revvity
Classification: Uncertain significance. Last evaluated: 2019-06-27. Review status: criteria provided, single submitter. Criteria: ACMG Guidelines, 2015. Collection method: clinical testing. Allele origin: germline.